The following is an entry in ClinVar:

ClinVar aggregate classification (germline): Likely benign (1 of 4 stars; one submission).

Conditions:
BBS10-related disorder. Also called: BBS10-related condition.

Submission:

PreventionGenetics, part of Exact Sciences
Classification: Likely benign for BBS10-related condition. Last evaluated: 2024-11-15. Review status: criteria provided, single submitter. Criteria: ACMG Guidelines, 2015. Collection method: clinical testing. Allele origin: germline.
Comment: This variant is classified as likely benign based on ACMG/AMP sequence variant interpretation guidelines (Richards et al. 2015 PMID: 25741868, with internal and published modifications).

NM_024685.4(BBS10):c.197+7_197+15del

Gene: BBS10 (Bardet-Biedl syndrome 10; minus strand). Cytogenetic location: 12q21.2.
Variant type: Deletion.
Coding change: c.197+7_197+15del on transcript NM_024685.4 (MANE Select); bases 7 to 15 of the intron after coding-DNA position 197, 9 bases deleted (GCGTCCCAC; older notation c.197+7_197+15delGCGTCCCAC).
Molecular consequence: intron variant.
Genome position (GRCh38, 1-based): chr12:76,348,147-76,348,155, GTGGGACGC deleted on the plus strand (GCGTCCCAC on the coding strand, the reverse complement: BBS10 is on the minus strand); deleting any 9 consecutive bases within chr12:76,348,147-76,348,156 gives the same sequence; the c. name uses the placement nearest the transcript's 3' end. VCF-style (leftmost placement, unchanged base first): chr12-76348146-TGTGGGACGC-T. GRCh37 (hg19) VCF-style: chr12-76741926-TGTGGGACGC-T.
Identifiers: ClinVar variation 4998382 (VCV004998382.1).
Genomic context (GRCh38, chr12:76,348,146, plus strand): 5'-CCTCAGGATGGGACAAGAGCTCCACAGAGGCTGCCTGGGGTGCCCGGCTACGGGTTAGCG[TGTGGGACGC>T]GGGTACCTGGCTATGGGATGCTCTAAGTGTAGCGCCTCCAGGAGGCGGCCTCCATTCCGG-3'